The following is an entry in ClinVar:

ClinVar aggregate classification (germline): Uncertain significance. Review status: criteria provided, multiple submitters, no conflicts (2 of 4 stars). 2 submissions from 2 submitters: Uncertain significance (2). Last evaluated 2025-03-11.

Conditions:
Neurodevelopmental disorder with speech impairment and with or without seizures. Also called: Neurodevelopmental disorder with variable intellectual disability and speech impairment, with or without seizures. Identifiers: MedGen C5774252, MONDO:0859313, OMIM 620114.

gnomAD v4.1: 1 of 1,614,054 alleles (0.000062%); highest among the groups gnomAD compares: Non-Finnish European, 0.000085%; no homozygotes.

Submissions (2):

Institute of Human Genetics, University of Goettingen
Classification: Uncertain significance for Neurodevelopmental disorder with speech impairment and with or without seizures. Last evaluated: 2025-03-11. Review status: criteria provided, single submitter. Criteria: ACMG Guidelines, 2015. Collection method: clinical testing. Allele origin: unknown. Inheritance: Autosomal dominant inheritance. Affected: yes. Observed: 1 heterozygote.
Comment: The variant c.874G>A (p.(Glu292Lys)) in exon 6 of the CACNA1I-gene affects a weakly conserved nucleotide, and a highly conserved amino acid and there is a small physicochemical difference between Glu and Lys. This variant has a pathogenic computational verdict based on in silico prediction algorithms. Missense variants are a known mechanism of disease based on Z-score. ACMG criteria used for classification: PM2_sup, PP2, PP3_sup

Juno Genomics, Hangzhou Juno Genomics, Inc
Classification: Uncertain significance for Neurodevelopmental disorder with speech impairment and with or without seizures. Review status: criteria provided, single submitter. Criteria: ACMG Guidelines, 2015. Collection method: clinical testing. Allele origin: germline.
Comment: Absent from controls (or at extremely low frequency if recessive) in Genome Aggregation Database.;Missense variant in a gene that has a low rate of benign missense variation.;Multiple lines of computational evidence support a deleterious effect on the gene or gene product.

NM_021096.4(CACNA1I):c.874G>A (p.Glu292Lys)

Gene: CACNA1I (calcium voltage-gated channel subunit alpha1 I; plus strand). Cytogenetic location: 22q13.1.
Variant type: single nucleotide variant.
Coding change: c.874G>A on transcript NM_021096.4 (MANE Select); coding-DNA position 874, G replaced by A.
Protein change: p.Glu292Lys; replaces glutamic acid 292 with lysine.
Molecular consequence: missense variant.
Genome position (GRCh38, 1-based): chr22:39,641,000, G>A. VCF-style: chr22-39641000-G-A. GRCh37 (hg19) VCF-style: chr22-40037005-G-A.
Other names: c.874G>A, p.Glu292Lys (NM_001003406.2); short protein forms E292K.
Identifiers: ClinVar variation 4532249 (VCV004532249.3).